The following is an entry in ClinVar:

ClinVar aggregate classification (germline): Likely benign (1 of 4 stars; one submission).

Submission:

CeGaT Center for Human Genetics Tuebingen
Classification: Likely benign. Last evaluated: 2026-06-01. Review status: criteria provided, single submitter. Criteria: CeGaT Center For Human Genetics Tuebingen Variant Classification Criteria Version 2. Collection method: clinical testing. Allele origin: germline. Affected: yes. Observed: 2 variant alleles.
Comment: KMT2C: BP4, BP7

NM_170606.3(KMT2C):c.1173C>T (p.Cys391=)

Genes: KMT2C (lysine methyltransferase 2C; minus strand), LOC123956272 (Sharpr-MPRA regulatory region 15588; plus strand). Cytogenetic location: 7q36.1.
Variant type: single nucleotide variant.
Coding change: c.1173C>T on transcript NM_170606.3 (MANE Select); coding-DNA position 1173, C replaced by T.
Protein change: p.Cys391=; no amino-acid change (cysteine 391 retained).
Molecular consequence: synonymous variant.
Genome position (GRCh38, 1-based): chr7:152,265,049, G>A on the plus strand (C>T on the coding strand, the complement: KMT2C is on the minus strand). VCF-style: chr7-152265049-G-A. GRCh37 (hg19) VCF-style: chr7-151962134-G-A.
Identifiers: ClinVar variation 4872185 (VCV004872185.2).